The following is an entry in ClinVar:

ClinVar aggregate classification (germline): Uncertain significance. Review status: criteria provided, single submitter (1 of 4 stars). 2 submissions from 2 submitters: Uncertain significance (1). 1 of the submissions does not count toward it. Last evaluated 2023-12-06.

Conditions:
Zellweger spectrum disorders (ZS). Also called: Zellweger Spectrum Disorder; Zellweger Spectrum; Zellweger Spectrum Disorder (ZSD); Zellweger syndrome. Identifiers: Orphanet 912, MedGen C0043459, MONDO:0019609.

Allele frequency attached by ClinVar (database versions not stated): gnomAD 0.00001.
gnomAD v4.1: 1 of 1,613,650 alleles (0.000062%); highest among the groups gnomAD compares: Admixed American, 0.0017%; no homozygotes.

Submissions (2):

Labcorp Genetics (formerly Invitae), Labcorp
Classification: Uncertain significance for Zellweger spectrum disorders. Last evaluated: 2023-12-06. Review status: criteria provided, single submitter. Criteria: Invitae Variant Classification Sherloc (09022015). Collection method: clinical testing. Allele origin: germline.
Comment: This sequence change replaces serine, which is neutral and polar, with phenylalanine, which is neutral and non-polar, at codon 1114 of the PEX1 protein (p.Ser1114Phe). This variant is not present in population databases (gnomAD no frequency). This variant has not been reported in the literature in individuals affected with PEX1-related conditions. ClinVar contains an entry for this variant (Variation ID: 1972744). Advanced modeling of protein sequence and biophysical properties (such as structural, functional, and spatial information, amino acid conservation, physicochemical variation, residue mobility, and thermodynamic stability) performed at Invitae indicates that this missense variant is not expected to disrupt PEX1 protein function with a negative predictive value of 80%. In summary, the available evidence is currently insufficient to determine the role of this variant in disease. Therefore, it has been classified as a Variant of Uncertain Significance.

Natera, Inc.
Classification: Uncertain significance for Zellweger syndrome. Last evaluated: 2025-04-20. Review status: no assertion criteria provided. Collection method: clinical testing. Allele origin: germline. Not counted in ClinVar's aggregate classification.

NM_000466.3(PEX1):c.3341C>T (p.Ser1114Phe)

Genes: GATAD1 (GATA zinc finger domain containing 1; plus strand), PEX1 (peroxisomal biogenesis factor 1; minus strand). Cytogenetic location: 7q21.2.
Variant type: single nucleotide variant.
Coding change: c.3341C>T on transcript NM_000466.3 (MANE Select); coding-DNA position 3341, C replaced by T.
Protein change: p.Ser1114Phe; replaces serine 1114 with phenylalanine.
Molecular consequence: missense variant.
Genome position (GRCh38, 1-based): chr7:92,491,369, G>A on the plus strand (C>T on the coding strand, the complement: PEX1 is on the minus strand). VCF-style: chr7-92491369-G-A. GRCh37 (hg19) VCF-style: chr7-92120683-G-A.
Other names: c.3170C>T, p.Ser1057Phe (NM_001282677.2); c.2717C>T, p.Ser906Phe (NM_001282678.2); c.3341C>T (NM_000466.2); short protein forms S1057F, S906F, S1114F.
Identifiers: ClinVar variation 1972744 (VCV001972744.6), dbSNP rs1791303972, ClinGen allele CA368163913.